The following is an entry in ClinVar:

NM_015909.4(NBAS):c.4432T>A (p.Ser1478Thr)

Gene: NBAS (NBAS subunit of NRZ tethering complex; minus strand). Cytogenetic location: 2p24.3.
Variant type: single nucleotide variant.
Coding change: c.4432T>A on transcript NM_015909.4 (MANE Select); coding-DNA position 4432, T replaced by A.
Protein change: p.Ser1478Thr; replaces serine 1478 with threonine.
Molecular consequence: missense variant. On other transcripts: non-coding transcript variant (1).
Genome position (GRCh38, 1-based): chr2:15,328,228, A>T on the plus strand (T>A on the coding strand, the complement: NBAS is on the minus strand). VCF-style: chr2-15328228-A-T. GRCh37 (hg19) VCF-style: chr2-15468352-A-T.
Other names: short protein forms S1478T.
Identifiers: ClinVar variation 1438820 (VCV001438820.7), dbSNP rs1278665100, ClinGen allele CA345895740.
Genomic context (GRCh38, chr2:15,328,228, plus strand): 5'-AAATCTATCTTCCTAGACACGCTGTCCTTACCTCAGCGACAAAAGGATTTGAGATGACAG[A>T]TTCATAAAAAGGATGACACCCTTGTTTCTCTAGATCTTCATTGGCTGTAGTTCCGATTTG-3'
Protein context (NP_056993.2, residues 1468-1488): EKQGCHPFYE[Ser1478Thr]VISNPFVAES

ClinVar aggregate classification (germline): Uncertain significance (1 of 4 stars; one submission).

Allele frequency attached by ClinVar (database versions not stated): gnomAD exomes below 0.00001; TOPMed 0.00004; gnomAD 0.00006.
gnomAD v4.1: 10 of 1,613,800 alleles (0.00062%); highest among the groups gnomAD compares: African/African-American, 0.013%; no homozygotes.

Submission:

Labcorp Genetics (formerly Invitae), Labcorp
Classification: Uncertain significance. Last evaluated: 2021-03-29. Review status: criteria provided, single submitter. Criteria: Invitae Variant Classification Sherloc (09022015). Collection method: clinical testing. Allele origin: germline.
Comment: This sequence change replaces serine with threonine at codon 1478 of the NBAS protein (p.Ser1478Thr). The serine residue is highly conserved and there is a small physicochemical difference between serine and threonine. This variant is not present in population databases (ExAC no frequency). This variant has not been reported in the literature in individuals with NBAS-related conditions. Algorithms developed to predict the effect of missense changes on protein structure and function are either unavailable or do not agree on the potential impact of this missense change (SIFT: "Deleterious"; PolyPhen-2: "Benign"; Align-GVGD: "Class C55"). In summary, the available evidence is currently insufficient to determine the role of this variant in disease. Therefore, it has been classified as a Variant of Uncertain Significance.